The following is an entry in ClinVar:

NM_004621.6(TRPC6):c.2089C>T (p.His697Tyr)

Gene: TRPC6 (transient receptor potential cation channel subfamily C member 6; minus strand). Cytogenetic location: 11q22.1.
Variant type: single nucleotide variant.
Coding change: c.2089C>T on transcript NM_004621.6 (MANE Select); coding-DNA position 2089, C replaced by T.
Protein change: p.His697Tyr; replaces histidine 697 with tyrosine.
Molecular consequence: missense variant.
Genome position (GRCh38, 1-based): chr11:101,472,253, G>A on the plus strand (C>T on the coding strand, the complement: TRPC6 is on the minus strand). VCF-style: chr11-101472253-G-A. GRCh37 (hg19) VCF-style: chr11-101342984-G-A.
Other names: short protein forms H697Y.
Identifiers: ClinVar variation 3253474 (VCV003253474.1), dbSNP rs1381410936.

ClinVar aggregate classification (germline): Uncertain significance (1 of 4 stars; one submission).

Allele frequency attached by ClinVar (database versions not stated): TOPMed below 0.00001; gnomAD 0.00001.
gnomAD v4.1: 1 of 1,613,034 alleles (0.000062%); highest among the groups gnomAD compares: African/African-American, 0.0013%; no homozygotes.

Submission:

GeneDx
Classification: Uncertain significance. Last evaluated: 2023-12-04. Review status: criteria provided, single submitter. Criteria: GeneDx Variant Classification Process June 2021. Collection method: clinical testing. Allele origin: germline. Affected: yes.
Comment: Not observed at significant frequency in large population cohorts (gnomAD); In silico analysis supports that this missense variant has a deleterious effect on protein structure/function; Has not been previously published as pathogenic or benign to our knowledge